The following is an entry in ClinVar:

NM_003722.5(TP63):c.*1386T>C

Gene: TP63 (tumor protein p63; plus strand). Cytogenetic location: 3q28.
Variant type: single nucleotide variant.
Coding change: c.*1386T>C on transcript NM_003722.5 (MANE Select); 1386 bases downstream of the stop codon, T replaced by C.
Molecular consequence: 3 prime UTR variant.
Genome position (GRCh38, 1-based): chr3:189,895,888, T>C. VCF-style: chr3-189895888-T-C. GRCh37 (hg19) VCF-style: chr3-189613677-T-C.
Other names: c.*1667T>C (NM_001114978.2, NM_001114981.2); c.*1386T>C (NM_001114980.2, NM_001329146.2, NM_001329148.2 and 1 more transcripts); c.*1657T>C (NM_001329144.2, NM_001329145.2, NM_001329149.2 and 1 more transcripts).
Identifiers: ClinVar variation 344411 (VCV000344411.6), dbSNP rs35785527, ClinGen allele CA10618236.
Genomic context (GRCh38, chr3:189,895,888, plus strand): 5'-TTGGTTTTCCTGTGGCATAAATTGCATCACTGTATCATTTTCTTTTTTAACCGGTAAGAG[T>C]TTCAGTTTGTTGGAAAGTAACTGTGAGAACCCAGTTTCCCGTCCATCTCCCTTAGGGACT-3'

ClinVar aggregate classification (germline): Benign. Review status: criteria provided, single submitter (1 of 4 stars). 3 submissions from 1 submitter: Benign (3). Last evaluated 2018-01-12.

Conditions:
Orofacial cleft 8. Also called: Cleft lip with or without cleft palate, nonsyndromic, 8. Identifiers: MedGen C1851878, MONDO:0029145, OMIM 618149.
TP63-Related Spectrum Disorders.
Ectrodactyly, ectodermal dysplasia, and cleft lip-palate syndrome 3. Also called: Ectrodactyly, Ectodermal Dysplasia, Clefting Syndrome; EEC SYNDROME 3; Ectrodactyly, Ectodermal Dysplasia, Clefting Syndrome Type 3 (EEC3); Ectrodactyly, Ectodermal Dysplasia, Cleft Lip/Palate Syndrome 3 (EEC3). Identifiers: Orphanet 1896, MedGen C1858562, MONDO:0011428, OMIM 604292.

Allele frequency attached by ClinVar (database versions not stated): gnomAD exomes 0.00171; gnomAD 0.00914 and 0.00979; TOPMed 0.01016; 1000 Genomes Project 0.01018; 1000 Genomes Project 30x 0.01062.
gnomAD v4.1: 1,510 of 226,108 alleles (0.67%); highest among the groups gnomAD compares: African/African-American, 3.2%; 18 homozygotes.

Submissions (3):

Illumina Laboratory Services, Illumina
Classification: Benign for Orofacial cleft 8. Last evaluated: 2018-01-12. Review status: criteria provided, single submitter. Criteria: ICSL Variant Classification Criteria 13 December 2019. Collection method: clinical testing. Allele origin: germline.
Comment: This variant was observed in the ICSL laboratory as part of a predisposition screen in an ostensibly healthy population. It had not been previously curated by ICSL or reported in the Human Gene Mutation Database (HGMD: prior to June 1st, 2018), and was therefore a candidate for classification through an automated scoring system. Utilizing variant allele frequency, disease prevalence and penetrance estimates, and inheritance mode, an automated score was calculated to assess if this variant is too frequent to cause the disease. Based on the score and internal cut-off values, a variant classified as benign is not then subjected to further curation. The score for this variant resulted in a classification of benign for this disease.

Illumina Laboratory Services, Illumina
Classification: Benign for TP63-Related Spectrum Disorders. Last evaluated: 2018-01-12. Review status: criteria provided, single submitter. Criteria: ICSL Variant Classification Criteria 13 December 2019. Collection method: clinical testing. Allele origin: germline.
Comment: the same text as in the submission from Illumina Laboratory Services, Illumina above.

Illumina Laboratory Services, Illumina
Classification: Benign for Ectrodactyly, ectodermal dysplasia, and cleft lip-palate syndrome 3. Last evaluated: 2018-01-12. Review status: criteria provided, single submitter. Criteria: ICSL Variant Classification Criteria 13 December 2019. Collection method: clinical testing. Allele origin: germline.
Comment: the same text as in the submission from Illumina Laboratory Services, Illumina above.